The following is an entry in ClinVar:

NM_000218.3(KCNQ1):c.1514+9365G>A

Genes: KCNQ1 (potassium voltage-gated channel subfamily Q member 1; plus strand), KCNQ1OT1 (KCNQ1 opposite strand/antisense transcript 1; minus strand). Cytogenetic location: 11p15.5.
Variant type: single nucleotide variant.
Coding change: c.1514+9365G>A on transcript NM_000218.3 (MANE Select); 9365 bases into the intron after coding-DNA position 1514, G replaced by A.
Molecular consequence: intron variant. On other transcripts: non-coding transcript variant (1).
Genome position (GRCh38, 1-based): chr11:2,671,446, G>A. VCF-style: chr11-2671446-G-A. GRCh37 (hg19) VCF-style: chr11-2692676-G-A.
Other names: c.1244+9365G>A (NM_001406837.1); c.1418+9365G>A (NM_001406836.1); c.974+9365G>A (NM_001406838.1); c.1133+9365G>A (NM_181798.2).
Identifiers: ClinVar variation 4822321 (VCV004822321.4).

ClinVar aggregate classification (germline): Likely benign (1 of 4 stars; one submission).

gnomAD v4.1: 384 of 398,658 alleles (0.096%); highest among the groups gnomAD compares: African/African-American, 0.75%; 3 homozygotes.

Submission:

CeGaT Center for Human Genetics Tuebingen
Classification: Likely benign. Last evaluated: 2025-12-01. Review status: criteria provided, single submitter. Criteria: CeGaT Center For Human Genetics Tuebingen Variant Classification Criteria Version 2. Collection method: clinical testing. Allele origin: germline. Affected: yes. Observed: 1 variant allele.
Comment: KCNQ1OT1: BS2